The following is an entry in ClinVar:

NM_032043.3(BRIP1):c.262T>C (p.Cys88Arg)

Gene: BRIP1 (BRCA1 interacting DNA helicase 1; minus strand). Cytogenetic location: 17q23.2.
Variant type: single nucleotide variant.
Coding change: c.262T>C on transcript NM_032043.3 (MANE Select); coding-DNA position 262, T replaced by C.
Protein change: p.Cys88Arg; replaces cysteine 88 with arginine.
Molecular consequence: missense variant.
Genome position (GRCh38, 1-based): chr17:61,857,175, A>G on the plus strand (T>C on the coding strand, the complement: BRIP1 is on the minus strand). VCF-style: chr17-61857175-A-G. GRCh37 (hg19) VCF-style: chr17-59934536-A-G.
Other names: short protein forms C88R.
Identifiers: ClinVar variation 3993169 (VCV003993169.1).

ClinVar aggregate classification (germline): Uncertain significance (1 of 4 stars; one submission).

Conditions:
Hereditary cancer-predisposing syndrome. Also called: Tumor predisposition; Hereditary neoplastic syndrome; Neoplastic Syndromes, Hereditary; Hereditary Cancer Syndrome. Identifiers: Orphanet 140162, MedGen C0027672, MeSH D009386, MONDO:0015356.

gnomAD v4.1: 2 of 1,613,934 alleles (0.00012%); highest among the groups gnomAD compares: Non-Finnish European, 0.00017%; no homozygotes.

Submission:

Ambry Genetics
Classification: Uncertain significance for Hereditary cancer-predisposing syndrome. Last evaluated: 2025-06-07. Review status: criteria provided, single submitter. Criteria: Ambry Variant Classification Scheme 2023. Collection method: clinical testing. Allele origin: germline.
Comment: The p.C88R variant (also known as c.262T>C), located in coding exon 3 of the BRIP1 gene, results from a T to C substitution at nucleotide position 262. The cysteine at codon 88 is replaced by arginine, an amino acid with highly dissimilar properties. This amino acid position is conserved. In addition, this alteration is predicted to be deleterious by in silico analysis. Based on the available evidence, the clinical significance of this variant remains unclear.